The following is an entry in ClinVar:

ClinVar aggregate classification (germline): Uncertain significance. Review status: criteria provided, multiple submitters, no conflicts (2 of 4 stars). 2 submissions from 2 submitters: Uncertain significance (2). Last evaluated 2024-08-27.

Conditions:
Inborn genetic diseases. Identifiers: MedGen C0950123, MeSH D030342.
Charcot-Marie-Tooth disease axonal type 2O. Also called: CHARCOT-MARIE-TOOTH NEUROPATHY, AXONAL, TYPE 2O; CHARCOT-MARIE-TOOTH DISEASE, AXONAL, AUTOSOMAL DOMINANT, TYPE 2O; Charcot-Marie-Tooth disease, axonal, type 20; Charcot-Marie-Tooth Neuropathy Type 2O. Identifiers: Orphanet 284232, MedGen C3280220, MONDO:0013644, OMIM 614228.

Submissions (2):

Ambry Genetics
Classification: Uncertain significance for Inborn genetic diseases. Last evaluated: 2024-08-27. Review status: criteria provided, single submitter. Criteria: Ambry Variant Classification Scheme 2023. Collection method: clinical testing. Allele origin: germline.

Labcorp Genetics (formerly Invitae), Labcorp
Classification: Uncertain significance for Charcot-Marie-Tooth disease axonal type 2O. Last evaluated: 2022-09-19. Review status: criteria provided, single submitter. Criteria: Invitae Variant Classification Sherloc (09022015). Collection method: clinical testing. Allele origin: germline.
Comment: In summary, the available evidence is currently insufficient to determine the role of this variant in disease. Therefore, it has been classified as a Variant of Uncertain Significance. Algorithms developed to predict the effect of missense changes on protein structure and function (SIFT, PolyPhen-2, Align-GVGD) all suggest that this variant is likely to be disruptive. This variant has not been reported in the literature in individuals affected with DYNC1H1-related conditions. This variant is not present in population databases (gnomAD no frequency). This sequence change replaces glycine, which is neutral and non-polar, with serine, which is neutral and polar, at codon 2249 of the DYNC1H1 protein (p.Gly2249Ser).

NM_001376.5(DYNC1H1):c.6745G>A (p.Gly2249Ser)

Gene: DYNC1H1 (dynein cytoplasmic 1 heavy chain 1; plus strand). Cytogenetic location: 14q32.31.
Variant type: single nucleotide variant.
Coding change: c.6745G>A on transcript NM_001376.5 (MANE Select); coding-DNA position 6745, G replaced by A.
Protein change: p.Gly2249Ser; replaces glycine 2249 with serine.
Molecular consequence: missense variant.
Genome position (GRCh38, 1-based): chr14:102,012,001, G>A. VCF-style: chr14-102012001-G-A. GRCh37 (hg19) VCF-style: chr14-102478338-G-A.
Other names: short protein forms G2249S.
Identifiers: ClinVar variation 1719825 (VCV001719825.6), dbSNP rs2048263992, ClinGen allele CA391057618.